The following is an entry in ClinVar:

NM_001035.3(RYR2):c.11147A>G (p.Glu3716Gly)

Gene: RYR2 (ryanodine receptor 2; plus strand). Cytogenetic location: 1q43.
Variant type: single nucleotide variant.
Coding change: c.11147A>G on transcript NM_001035.3 (MANE Select); coding-DNA position 11147, A replaced by G.
Protein change: p.Glu3716Gly; replaces glutamic acid 3716 with glycine.
Molecular consequence: missense variant.
Genome position (GRCh38, 1-based): chr1:237,756,289, A>G. VCF-style: chr1-237756289-A-G. GRCh37 (hg19) VCF-style: chr1-237919589-A-G.
Other names: short protein forms E3716G.
Identifiers: ClinVar variation 4710690 (VCV004710690.1).

ClinVar aggregate classification (germline): Uncertain significance (1 of 4 stars; one submission).

Conditions:
Catecholaminergic polymorphic ventricular tachycardia 1. Also called: RYR2-Related Catecholaminergic Polymorphic Ventricular Tachycardia; VENTRICULAR TACHYCARDIA, CATECHOLAMINERGIC POLYMORPHIC, 1, WITH OR WITHOUT ATRIAL DYSFUNCTION AND/OR DILATED CARDIOMYOPATHY; VENTRICULAR TACHYCARDIA, STRESS-INDUCED POLYMORPHIC 1. Identifiers: Orphanet 3286, MedGen C1631597, MONDO:0011484, OMIM 604772.

Submission:

Labcorp Genetics (formerly Invitae), Labcorp
Classification: Uncertain significance for Catecholaminergic polymorphic ventricular tachycardia 1. Last evaluated: 2025-11-10. Review status: criteria provided, single submitter. Criteria: Invitae Variant Classification Sherloc (09022015). Collection method: clinical testing. Allele origin: germline.
Comment: This sequence change replaces glutamic acid, which is acidic and polar, with glycine, which is neutral and non-polar, at codon 3716 of the RYR2 protein (p.Glu3716Gly). This variant is not present in population databases (gnomAD no frequency). This missense change has been observed in individual(s) with RYR2-related conditions (PMID: 28237968, 36357925, 39472908). An algorithm developed to predict the effect of missense changes on protein structure and function (PolyPhen-2) suggests that this variant is likely to be disruptive. In summary, the available evidence is currently insufficient to determine the role of this variant in disease. Therefore, it has been classified as a Variant of Uncertain Significance.

Literature cited by the submitters: PubMed 28237968; PubMed 36357925; PubMed 39472908.